The following is an entry in ClinVar:

ClinVar aggregate classification (germline): Uncertain significance (1 of 4 stars; one submission).

Conditions:
Retinoblastoma (RB1). Also called: RETINOBLASTOMA, SOMATIC. Identifiers: Orphanet 790, MedGen C0035335, MeSH D012175, MONDO:0008380, OMIM 180200, HP:0009919. Disease mechanism: loss of function. Inheritance: Both sporadic and heritable forms are tested..

Submissions (2):

Labcorp Genetics (formerly Invitae), Labcorp
Classification: Uncertain significance for Retinoblastoma. Last evaluated: 2024-01-05. Review status: criteria provided, single submitter. Criteria: Invitae Variant Classification Sherloc (09022015). Collection method: clinical testing. Allele origin: germline.
Comment: This variant occurs in a non-coding region of the RB1 gene. It does not change the encoded amino acid sequence of the RB1 protein. This variant is not present in population databases (gnomAD no frequency). This variant has not been reported in the literature in individuals affected with RB1-related conditions. In summary, the available evidence is currently insufficient to determine the role of this variant in disease. Therefore, it has been classified as a Variant of Uncertain Significance.

Dr. Peter K. Rogan Lab, Western University
No classification provided (evidence only). Condition: Thymoma. Review status: no classification provided. Collection method: in vitro. Allele origin: not applicable. Functional consequence: retained intron. Not counted in ClinVar's aggregate classification.

NM_000321.3(RB1):c.-4C>T

Gene: RB1 (RB transcriptional corepressor 1; plus strand). Cytogenetic location: 13q14.2.
Variant type: single nucleotide variant.
Coding change: c.-4C>T on transcript NM_000321.3 (MANE Select); 4 bases upstream of the start codon, C replaced by T.
Molecular consequence: 5 prime UTR variant.
Genome position (GRCh38, 1-based): chr13:48,303,909, C>T. VCF-style: chr13-48303909-C-T. GRCh37 (hg19) VCF-style: chr13-48878045-C-T.
Other names: c.-4C>T (NM_001407165.1, NM_001407166.1, NM_001407167.1).
Identifiers: ClinVar variation 2760811 (VCV002760811.4), dbSNP rs2138026917, ClinGen allele CA2622977295.